The following is an entry in ClinVar:

NM_000096.4(CP):c.2900G>C (p.Gly967Ala)

Gene: CP (ceruloplasmin; minus strand). Cytogenetic location: 3q24.
Variant type: single nucleotide variant.
Coding change: c.2900G>C on transcript NM_000096.4 (MANE Select); coding-DNA position 2900, G replaced by C.
Protein change: p.Gly967Ala; replaces glycine 967 with alanine.
Molecular consequence: missense variant. On other transcripts: non-coding transcript variant (1).
Genome position (GRCh38, 1-based): chr3:149,177,958, C>G on the plus strand (G>C on the coding strand, the complement: CP is on the minus strand). VCF-style: chr3-149177958-C-G. GRCh37 (hg19) VCF-style: chr3-148895745-C-G.
Other names: c.2900G>C (NM_000096.3); short protein forms G967A.
Identifiers: ClinVar variation 1423779 (VCV001423779.8), dbSNP rs370673560, ClinGen allele CA2660601.

ClinVar aggregate classification (germline): Uncertain significance. Review status: criteria provided, multiple submitters, no conflicts (2 of 4 stars). 3 submissions from 3 submitters: Uncertain significance (3). Last evaluated 2025-08-10.

Conditions:
Inborn genetic diseases. Identifiers: MedGen C0950123, MeSH D030342.
Deficiency of ferroxidase (ACEP). Also called: Aceruloplasminemia; Deficiency of ceruloplasmin; NEURODEGENERATION WITH BRAIN IRON ACCUMULATION 10; Ceruloplasmin deficiency; Familial apoceruloplasmin deficiency; Hereditary ceruloplasmin deficiency. Identifiers: Orphanet 48818, MedGen C0878682, MONDO:0011426, OMIM 604290, HP:0025498.

Allele frequency attached by ClinVar (database versions not stated): gnomAD exomes 0.00001 and 0.00004; ExAC 0.00003; gnomAD 0.00006 and 0.00007; ESP Exome Variant Server 0.00008; TOPMed 0.00010.

Submissions (3):

Ambry Genetics
Classification: Uncertain significance for Inborn genetic diseases. Last evaluated: 2025-08-10. Review status: criteria provided, single submitter. Criteria: Ambry Variant Classification Scheme 2023. Collection method: clinical testing. Allele origin: germline.

Labcorp Genetics (formerly Invitae), Labcorp
Classification: Uncertain significance for Deficiency of ferroxidase. Last evaluated: 2024-10-26. Review status: criteria provided, single submitter. Criteria: Invitae Variant Classification Sherloc (09022015). Collection method: clinical testing. Allele origin: germline.
Comment: This sequence change replaces glycine, which is neutral and non-polar, with alanine, which is neutral and non-polar, at codon 967 of the CP protein (p.Gly967Ala). This variant is present in population databases (rs370673560, gnomAD 0.02%). This variant has not been reported in the literature in individuals affected with CP-related conditions. ClinVar contains an entry for this variant (Variation ID: 1423779). Invitae Evidence Modeling of protein sequence and biophysical properties (such as structural, functional, and spatial information, amino acid conservation, physicochemical variation, residue mobility, and thermodynamic stability) indicates that this missense variant is not expected to disrupt CP protein function with a negative predictive value of 80%. In summary, the available evidence is currently insufficient to determine the role of this variant in disease. Therefore, it has been classified as a Variant of Uncertain Significance.

GeneDx
Classification: Uncertain significance. Last evaluated: 2024-05-14. Review status: criteria provided, single submitter. Criteria: GeneDx Variant Classification Process June 2021. Collection method: clinical testing. Allele origin: germline. Affected: yes.
Comment: In silico analysis supports that this missense variant has a deleterious effect on protein structure/function; Has not been previously published as pathogenic or benign to our knowledge